The following is an entry in ClinVar:

NM_000435.3(NOTCH3):c.164G>A (p.Cys55Tyr)

Gene: NOTCH3 (notch receptor 3; minus strand). Cytogenetic location: 19p13.12.
Variant type: single nucleotide variant.
Coding change: c.164G>A on transcript NM_000435.3 (MANE Select); coding-DNA position 164, G replaced by A.
Protein change: p.Cys55Tyr; replaces cysteine 55 with tyrosine.
Molecular consequence: missense variant.
Genome position (GRCh38, 1-based): chr19:15,197,533, C>T on the plus strand (G>A on the coding strand, the complement: NOTCH3 is on the minus strand). VCF-style: chr19-15197533-C-T. GRCh37 (hg19) VCF-style: chr19-15308344-C-T.
Other names: short protein forms C55Y.
Identifiers: ClinVar variation 447793 (VCV000447793.5), dbSNP rs1555730188, ClinGen allele CA404483372.

ClinVar aggregate classification (germline): Pathogenic/Likely pathogenic. Review status: criteria provided, multiple submitters, no conflicts (2 of 4 stars). 4 submissions from 4 submitters: Pathogenic (1); Likely pathogenic (3). Last evaluated 2025-07-30.

Conditions:
Cerebral arteriopathy, autosomal dominant, with subcortical infarcts and leukoencephalopathy, type 1 (CADASIL1). Also called: CADASIL 1; CASIL; DEMENTIA, HEREDITARY MULTIINFARCT TYPE; Cerebral arteriopathy with subcortical infarcts and leukoencephalopathy 1. Identifiers: Orphanet 136, MedGen C4551768, MONDO:0000914, OMIM 125310.

Submissions (4):

Labcorp Genetics (formerly Invitae), Labcorp
Classification: Likely pathogenic. Last evaluated: 2025-07-30. Review status: criteria provided, single submitter. Criteria: Invitae Variant Classification Sherloc (09022015). Collection method: clinical testing. Allele origin: germline.
Comment: This sequence change replaces cysteine, which is neutral and slightly polar, with tyrosine, which is neutral and polar, at codon 55 of the NOTCH3 protein (p.Cys55Tyr). This variant is not present in population databases (gnomAD no frequency). This missense change has been observed in individual(s) with clinical features of CADASIL (PMID: 32555735; internal data). ClinVar contains an entry for this variant (Variation ID: 447793). Invitae Evidence Modeling of protein sequence and biophysical properties (such as structural, functional, and spatial information, amino acid conservation, physicochemical variation, residue mobility, and thermodynamic stability) indicates that this missense variant is expected to disrupt NOTCH3 protein function with a positive predictive value of 95%. This variant disrupts the p.Cys55 amino acid residue in NOTCH3. Other variant(s) that disrupt this residue have been observed in individuals with NOTCH3-related conditions (PMID: 28991717, 32277177, 34741685, 36261288), which suggests that this may be a clinically significant amino acid residue. In summary, the currently available evidence indicates that the variant is pathogenic, but additional data are needed to prove that conclusively. Therefore, this variant has been classified as Likely Pathogenic.

Mayo Clinic Laboratories, Mayo Clinic
Classification: Likely pathogenic. Last evaluated: 2025-07-09. Review status: criteria provided, single submitter. Criteria: ACMG Guidelines, 2015. Collection method: clinical testing. Allele origin: germline. Observed: 1 variant allele.
Comment: PP2, PP3_moderate, PM1, PM2_supporting

Mendelics
Classification: Likely pathogenic for Cerebral arteriopathy, autosomal dominant, with subcortical infarcts and leukoencephalopathy, type 1. Last evaluated: 2019-05-28. Review status: criteria provided, single submitter. Criteria: Mendelics Assertion Criteria 2017. Collection method: clinical testing. Allele origin: unknown.

Athena Diagnostics
Classification: Pathogenic. Last evaluated: 2016-06-14. Review status: criteria provided, single submitter. Criteria: Athena Diagnostics Criteria. Collection method: clinical testing. Allele origin: germline.

Literature cited by the submitters: PubMed 32555735 (cited by Labcorp Genetics (formerly Invitae), Labcorp and Mayo Clinic Laboratories, Mayo Clinic); PubMed 28991717 (cited by Labcorp Genetics (formerly Invitae), Labcorp and Mayo Clinic Laboratories, Mayo Clinic); PubMed 32277177 (cited by Labcorp Genetics (formerly Invitae), Labcorp); PubMed 34741685 (cited by Labcorp Genetics (formerly Invitae), Labcorp); PubMed 36261288 (cited by Labcorp Genetics (formerly Invitae), Labcorp and Mayo Clinic Laboratories, Mayo Clinic).